The following is an entry in ClinVar:

NM_001130438.3(SPTAN1):c.2785C>T (p.Leu929=)

Gene: SPTAN1 (spectrin alpha, non-erythrocytic 1; plus strand). Cytogenetic location: 9q34.11.
Variant type: single nucleotide variant.
Coding change: c.2785C>T on transcript NM_001130438.3 (MANE Select); coding-DNA position 2785, C replaced by T.
Protein change: p.Leu929=; no amino-acid change (leucine 929 retained).
Molecular consequence: synonymous variant.
Genome position (GRCh38, 1-based): chr9:128,587,612, C>T. VCF-style: chr9-128587612-C-T. GRCh37 (hg19) VCF-style: chr9-131349891-C-T.
Other names: c.2785C>T, p.Leu929= (NM_001363759.2, NM_001363765.2, NM_003127.4 and 1 more transcripts).
Identifiers: ClinVar variation 384945 (VCV000384945.10), dbSNP rs1057522083, ClinGen allele CA16605352.

ClinVar aggregate classification (germline): Likely benign. Review status: criteria provided, multiple submitters, no conflicts (2 of 4 stars). 2 submissions from 2 submitters: Likely benign (2). Last evaluated 2025-06-27.

Conditions:
Early-infantile DEE. Also called: Ohtahara syndrome; Early infantile epileptic encephalopathy with suppression bursts; Early infantile epileptic encephalopathy. Identifiers: Orphanet 1934, MedGen C0393706, MONDO:0800491.

Submissions (2):

Labcorp Genetics (formerly Invitae), Labcorp
Classification: Likely benign for Early-infantile DEE. Last evaluated: 2025-06-27. Review status: criteria provided, single submitter. Criteria: Invitae Variant Classification Sherloc (09022015). Collection method: clinical testing. Allele origin: germline.

GeneDx
Classification: Likely benign. Last evaluated: 2016-03-17. Review status: criteria provided, single submitter. Criteria: GeneDx Variant Classification (06012015). Collection method: clinical testing. Allele origin: germline. Affected: yes.
Comment: This variant is considered likely benign or benign based on one or more of the following criteria: it is a conservative change, it occurs at a poorly conserved position in the protein, it is predicted to be benign by multiple in silico algorithms, and/or has population frequency not consistent with disease.